The following is an entry in ClinVar:

NM_002485.5(NBN):c.1012C>T (p.Pro338Ser)

Gene: NBN (nibrin; minus strand). Cytogenetic location: 8q21.3.
Variant type: single nucleotide variant.
Coding change: c.1012C>T on transcript NM_002485.5 (MANE Select); coding-DNA position 1012, C replaced by T.
Protein change: p.Pro338Ser; replaces proline 338 with serine.
Molecular consequence: missense variant.
Genome position (GRCh38, 1-based): chr8:89,958,837, G>A on the plus strand (C>T on the coding strand, the complement: NBN is on the minus strand). VCF-style: chr8-89958837-G-A. GRCh37 (hg19) VCF-style: chr8-90971065-G-A.
Other names: c.766C>T, p.Pro256Ser (NM_001024688.3); short protein forms P338S, P256S.
Identifiers: ClinVar variation 461489 (VCV000461489.19), dbSNP rs1554560467, ClinGen allele CA371656787.

ClinVar aggregate classification (germline): Uncertain significance. Review status: criteria provided, multiple submitters, no conflicts (2 of 4 stars). 4 submissions from 4 submitters: Uncertain significance (4). Last evaluated 2025-07-30.

Conditions:
Hereditary cancer-predisposing syndrome. Also called: Hereditary neoplastic syndrome; Neoplastic Syndromes, Hereditary; Tumor predisposition; Hereditary Cancer Syndrome. Identifiers: Orphanet 140162, MedGen C0027672, MeSH D009386, MONDO:0015356.
Microcephaly, normal intelligence and immunodeficiency (NBS). Also called: IMMUNODEFICIENCY, MICROCEPHALY, AND CHROMOSOMAL INSTABILITY; SEEMANOVA SYNDROME II; Nijmegen breakage syndrome; Microcephaly with normal intelligence immunodeficiency and lymphoreticular malignancies; Nonsyndromal microcephaly autosomal recessive with normal intelligence; Seemanova syndrome 2. Identifiers: Orphanet 647, MedGen C0398791, MONDO:0009623, OMIM 251260.

Submissions (4):

Labcorp Genetics (formerly Invitae), Labcorp
Classification: Uncertain significance for Microcephaly, normal intelligence and immunodeficiency. Last evaluated: 2025-07-30. Review status: criteria provided, single submitter. Criteria: Invitae Variant Classification Sherloc (09022015). Collection method: clinical testing. Allele origin: germline.
Comment: This sequence change replaces proline, which is neutral and non-polar, with serine, which is neutral and polar, at codon 338 of the NBN protein (p.Pro338Ser). This variant is not present in population databases (gnomAD no frequency). This variant has not been reported in the literature in individuals affected with NBN-related conditions. ClinVar contains an entry for this variant (Variation ID: 461489). An algorithm developed to predict the effect of missense changes on protein structure and function (PolyPhen-2) suggests that this variant is likely to be tolerated. In summary, the available evidence is currently insufficient to determine the role of this variant in disease. Therefore, it has been classified as a Variant of Uncertain Significance.

Ambry Genetics
Classification: Uncertain significance for Hereditary cancer-predisposing syndrome. Last evaluated: 2023-11-15. Review status: criteria provided, single submitter. Criteria: Ambry Variant Classification Scheme 2023. Collection method: clinical testing. Allele origin: germline.
Comment: The p.P338S variant (also known as c.1012C>T), located in coding exon 9 of the NBN gene, results from a C to T substitution at nucleotide position 1012. The proline at codon 338 is replaced by serine, an amino acid with similar properties. This amino acid position is well conserved in available vertebrate species. In addition, this alteration is predicted to be tolerated by in silico analysis. Since supporting evidence is limited at this time, the clinical significance of this alteration remains unclear.

Genome-Nilou Lab
Classification: Uncertain significance for Microcephaly, normal intelligence and immunodeficiency. Last evaluated: 2021-11-07. Review status: criteria provided, single submitter. Criteria: ACMG Guidelines, 2015. Collection method: clinical testing. Allele origin: germline. Affected: no.

Women's Health and Genetics/Laboratory Corporation of America, LabCorp
Classification: Uncertain significance. Last evaluated: 2020-10-05. Review status: criteria provided, single submitter. Criteria: LabCorp Variant Classification Summary - May 2015. Collection method: clinical testing. Allele origin: germline.
Comment: Variant summary: NBN c.1012C>T (p.Pro338Ser) results in a non-conservative amino acid change in the encoded protein sequence. Four of five in-silico tools predict a benign effect of the variant on protein function. The variant was absent in 251356 control chromosomes. The available data on variant occurrences in the general population are insufficient to allow any conclusion about variant significance. To our knowledge, no occurrence of c.1012C>T in individuals affected with Nijmegen Breakage Syndrome and no experimental evidence demonstrating its impact on protein function have been reported. Three clinical diagnostic laboratories have submitted clinical-significance assessments for this variant to ClinVar after 2014 without evidence for independent evaluation. All laboratories classified the variant as uncertain significance. Based on the evidence outlined above, the variant was classified as uncertain significance.